The following is an entry in ClinVar:

NM_005751.5(AKAP9):c.8908G>A (p.Asp2970Asn)

Gene: AKAP9 (A-kinase anchoring protein 9; plus strand). Cytogenetic location: 7q21.2.
Variant type: single nucleotide variant.
Coding change: c.8908G>A on transcript NM_005751.5 (MANE Select); coding-DNA position 8908, G replaced by A.
Protein change: p.Asp2970Asn; replaces aspartic acid 2970 with asparagine.
Molecular consequence: missense variant.
Genome position (GRCh38, 1-based): chr7:92,085,570, G>A. VCF-style: chr7-92085570-G-A. GRCh37 (hg19) VCF-style: chr7-91714884-G-A.
Other names: c.3553G>A, p.Asp1185Asn (NM_001379277.1); c.8884G>A, p.Asp2962Asn (NM_147185.3); short protein forms D2962N, D1185N, D2970N.
Identifiers: ClinVar variation 1765068 (VCV001765068.2), dbSNP rs2535266540, ClinGen allele CA368142954.
Genomic context (GRCh38, chr7:92,085,570, plus strand): 5'-GTCCATAATGAAGGCATGCAGGTGCTTTCTCTCACTGAGTCTCCCTATAGTGATGGAGAG[G>A]ACCATTCTATTCAGCAGGTTTCAGAACCTTGGCTAGAAGAGAGAAAAGCTTACATCAATA-3'
Protein context (NP_005742.4, residues 2960-2980): LTESPYSDGE[Asp2970Asn]HSIQQVSEPW

ClinVar aggregate classification (germline): Uncertain significance (1 of 4 stars; one submission).

Conditions:
Cardiovascular phenotype. Identifiers: MedGen CN230736.

Submission:

Ambry Genetics
Classification: Uncertain significance for Cardiovascular phenotype. Last evaluated: 2021-01-05. Review status: criteria provided, single submitter. Criteria: Ambry Variant Classification Scheme 2023. Collection method: clinical testing. Allele origin: germline.
Comment: The p.D2970N variant (also known as c.8908G>A), located in coding exon 36 of the AKAP9 gene, results from a G to A substitution at nucleotide position 8908. The aspartic acid at codon 2970 is replaced by asparagine, an amino acid with highly similar properties. This amino acid position is not well conserved in available vertebrate species. In addition, this alteration is predicted to be tolerated by in silico analysis. Since supporting evidence is limited at this time, the clinical significance of this alteration remains unclear.